The following is an entry in ClinVar:

ClinVar aggregate classification (germline): Likely benign (1 of 4 stars; one submission).

Conditions:
Hypogonadotropic hypogonadism 7 with or without anosmia (HH7). Also called: HYPOGONADOTROPIC HYPOGONADISM 7 WITHOUT ANOSMIA; GNRHR-Related GnRH Deficiency. Identifiers: Orphanet 432, MedGen C0342384, MONDO:0007794, OMIM 146110.

Allele frequency attached by ClinVar (database versions not stated): 1000 Genomes Project 0.04213; 1000 Genomes Project 30x 0.04419; TOPMed 0.06152; gnomAD 0.06333 and 0.06538.
gnomAD v4.1: 9,597 of 151,680 alleles (6.3%); highest among the groups gnomAD compares: Middle Eastern, 7.2%; 348 homozygotes.

Submission:

Illumina Laboratory Services, Illumina
Classification: Likely benign for Hypogonadotropic hypogonadism 7 with or without anosmia. Last evaluated: 2018-01-13. Review status: criteria provided, single submitter. Criteria: ICSL Variant Classification Criteria 13 December 2019. Collection method: clinical testing. Allele origin: germline.
Comment: This variant was observed in the ICSL laboratory as part of a predisposition screen in an ostensibly healthy population. It had not been previously curated by ICSL or reported in the Human Gene Mutation Database (HGMD: prior to June 1st, 2018), and was therefore a candidate for classification through an automated scoring system. Utilizing variant allele frequency, disease prevalence and penetrance estimates, and inheritance mode, an automated score was calculated to assess if this variant is too frequent to cause the disease. Based on the score and internal cut-off values, a variant classified as likely benign is not then subjected to further curation. The score for this variant resulted in a classification of likely benign for this disease.

NM_000406.3(GNRHR):c.*2441T>C

Gene: GNRHR (gonadotropin releasing hormone receptor; minus strand). Cytogenetic location: 4q13.2.
Variant type: single nucleotide variant.
Coding change: c.*2441T>C on transcript NM_000406.3 (MANE Select); 2441 bases downstream of the stop codon, T replaced by C.
Molecular consequence: 3 prime UTR variant.
Genome position (GRCh38, 1-based): chr4:67,738,039, A>G on the plus strand (T>C on the coding strand, the complement: GNRHR is on the minus strand). VCF-style: chr4-67738039-A-G. GRCh37 (hg19) VCF-style: chr4-68603757-A-G.
Other names: c.*2550T>C (NM_001012763.2).
Identifiers: ClinVar variation 906358 (VCV000906358.4), dbSNP rs2319657, ClinGen allele CA98666763.